The following is an entry in ClinVar:

NM_014000.3(VCL):c.1031G>A (p.Gly344Glu)

Gene: VCL (vinculin; plus strand). Cytogenetic location: 10q22.2.
Variant type: single nucleotide variant.
Coding change: c.1031G>A on transcript NM_014000.3 (MANE Select); coding-DNA position 1031, G replaced by A.
Protein change: p.Gly344Glu; replaces glycine 344 with glutamic acid.
Molecular consequence: missense variant.
Genome position (GRCh38, 1-based): chr10:74,089,204, G>A. VCF-style: chr10-74089204-G-A. GRCh37 (hg19) VCF-style: chr10-75848962-G-A.
Other names: c.1031G>A, p.Gly344Glu (NM_003373.4); short protein forms G344E.
Identifiers: ClinVar variation 2743213 (VCV002743213.3), dbSNP rs778875353, ClinGen allele CA377272215.

ClinVar aggregate classification (germline): Uncertain significance (1 of 4 stars; one submission).

Conditions:
Dilated cardiomyopathy 1W (CMD1W). Identifiers: Orphanet 154, MedGen C1969639, MONDO:0012667, OMIM 611407.

gnomAD v4.1: 1 of 1,614,060 alleles (0.000062%); highest among the groups gnomAD compares: Non-Finnish European, 0.000085%; no homozygotes.

Submission:

Labcorp Genetics (formerly Invitae), Labcorp
Classification: Uncertain significance for Dilated cardiomyopathy 1W. Last evaluated: 2023-07-14. Review status: criteria provided, single submitter. Criteria: Invitae Variant Classification Sherloc (09022015). Collection method: clinical testing. Allele origin: germline.
Comment: In summary, the available evidence is currently insufficient to determine the role of this variant in disease. Therefore, it has been classified as a Variant of Uncertain Significance. This sequence change replaces glycine, which is neutral and non-polar, with glutamic acid, which is acidic and polar, at codon 344 of the VCL protein (p.Gly344Glu). This variant is not present in population databases (gnomAD no frequency). This variant has not been reported in the literature in individuals affected with VCL-related conditions. An algorithm developed to predict the effect of missense changes on protein structure and function (PolyPhen-2) suggests that this variant is likely to be disruptive.